The following is an entry in ClinVar:

NM_001371279.1(REEP1):c.49C>A (p.Leu17Ile)

Gene: REEP1 (receptor accessory protein 1; minus strand). Cytogenetic location: 2p11.2.
Variant type: single nucleotide variant.
Coding change: c.49C>A on transcript NM_001371279.1 (MANE Select); coding-DNA position 49, C replaced by A.
Protein change: p.Leu17Ile; replaces leucine 17 with isoleucine.
Molecular consequence: missense variant. On other transcripts: intron variant (1).
Genome position (GRCh38, 1-based): chr2:86,282,226, G>T on the plus strand (C>A on the coding strand, the complement: REEP1 is on the minus strand). VCF-style: chr2-86282226-G-T. GRCh37 (hg19) VCF-style: chr2-86509349-G-T.
Other names: c.70C>A, p.Leu24Ile (NM_001164730.2); c.49C>A, p.Leu17Ile (NM_001164732.2, NM_001371280.1, NM_022912.3); c.25-18185C>A (NM_001164731.2); short protein forms L17I, L24I.
Identifiers: ClinVar variation 465820 (VCV000465820.1), dbSNP rs1553465460, ClinGen allele CA347722733.

ClinVar aggregate classification (germline): Uncertain significance (1 of 4 stars; one submission).

Conditions:
Hereditary spastic paraplegia 31. Also called: SPASTIC PARAPLEGIA 31, AUTOSOMAL DOMINANT. Identifiers: Orphanet 101011, MedGen C1853247, MONDO:0012453, OMIM 610250.

Allele frequency attached by ClinVar (database versions not stated): gnomAD exomes below 0.00001.
gnomAD v4.1: 3 of 1,608,042 alleles (0.00019%); highest among the groups gnomAD compares: South Asian, 0.0022%; no homozygotes.

Submission:

Labcorp Genetics (formerly Invitae), Labcorp
Classification: Uncertain significance for Hereditary spastic paraplegia 31. Last evaluated: 2017-06-12. Review status: criteria provided, single submitter. Criteria: Invitae Variant Classification Sherloc (09022015). Collection method: clinical testing. Allele origin: germline.
Comment: This sequence change replaces leucine with isoleucine at codon 17 of the REEP1 protein (p.Leu17Ile). The leucine residue is highly conserved and there is a small physicochemical difference between leucine and isoleucine. This variant is not present in population databases (ExAC no frequency). This variant has not been reported in the literature in individuals with a REEP1-related disease. Algorithms developed to predict the effect of missense changes on protein structure and function do not agree on the potential impact of this missense change (SIFT: "Tolerated"; PolyPhen-2: "Probably Damaging"; Align-GVGD: "Class C0"). In summary, this variant has uncertain impact on REEP1 function. The available evidence is currently insufficient to determine its role in disease. Therefore, it has been classified as a Variant of Uncertain Significance.